The following is an entry in ClinVar:

NM_002439.5(MSH3):c.1246_1265del (p.Thr416fs)

Gene: MSH3 (mutS homolog 3; plus strand). Cytogenetic location: 5q14.1.
Variant type: Deletion.
Coding change: c.1246_1265del on transcript NM_002439.5 (MANE Select); coding-DNA positions 1246 to 1265, 20 bases deleted (ACCCGGATGTCAAGCCTGCA).
Protein change: p.Thr416fs; shifts the reading frame from threonine 416.
Molecular consequence: frameshift variant.
Genome position (GRCh38, 1-based): chr5:80,678,999-80,679,018, ACCCGGATGTCAAGCCTGCA deleted; deleting any 20 consecutive bases within chr5:80,678,998-80,679,018 gives the same sequence; the c. name uses the placement nearest the transcript's 3' end. VCF-style (leftmost placement, unchanged base first): chr5-80678997-AAACCCGGATGTCAAGCCTGC-A. GRCh37 (hg19) VCF-style: chr5-79974816-AAACCCGGATGTCAAGCCTGC-A.
Other names: short protein forms T416fs.
Identifiers: ClinVar variation 3222230 (VCV003222230.1), dbSNP rs2546726604, ClinGen allele CA2825001449.
Genomic context (GRCh38, chr5:80,678,997, plus strand): 5'-CTGCCACAGGCGAGGTTGTGTTTGATAGTTTCCAGGACTCTGCTTCTCGTTCAGAGCTAG[AAACCCGGATGTCAAGCCTGC>A]AGCCAGTAGAGCTGCTGCTTCCTTCGGCCTTGTCCGAGCAAACAGAGGCGCTCATCCACA-3'

ClinVar aggregate classification (germline): Pathogenic (1 of 4 stars; one submission).

Conditions:
Hereditary cancer-predisposing syndrome. Also called: Tumor predisposition; Hereditary neoplastic syndrome; Hereditary Cancer Syndrome; Neoplastic Syndromes, Hereditary. Identifiers: Orphanet 140162, MedGen C0027672, MeSH D009386, MONDO:0015356.

Submission:

Ambry Genetics
Classification: Pathogenic for Hereditary cancer-predisposing syndrome. Last evaluated: 2023-10-16. Review status: criteria provided, single submitter. Criteria: Ambry Variant Classification Scheme 2023. Collection method: clinical testing. Allele origin: germline.
Comment: The c.1246_1265del20 pathogenic mutation, located in coding exon 8 of the MSH3 gene, results from a deletion of 20 nucleotides at nucleotide positions 1246 to 1265, causing a translational frameshift with a predicted alternate stop codon (p.T416Afs*25). This alteration is expected to result in loss of function by premature protein truncation or nonsense-mediated mRNA decay. As such, this alteration is interpreted as a disease-causing mutation.